The following is an entry in ClinVar:

NM_173728.4(ARHGEF15):c.800G>A (p.Arg267His)

Gene: ARHGEF15 (Rho guanine nucleotide exchange factor 15; plus strand). Cytogenetic location: 17p13.1.
Variant type: single nucleotide variant.
Coding change: c.800G>A on transcript NM_173728.4 (MANE Select); coding-DNA position 800, G replaced by A.
Protein change: p.Arg267His; replaces arginine 267 with histidine.
Molecular consequence: missense variant.
Genome position (GRCh38, 1-based): chr17:8,313,120, G>A. VCF-style: chr17-8313120-G-A. GRCh37 (hg19) VCF-style: chr17-8216438-G-A.
Other names: c.800G>A, p.Arg267His (NM_025014.2); short protein forms R267H.
Identifiers: ClinVar variation 2170881 (VCV002170881.4), dbSNP rs1362528188, ClinGen allele CA398016264.
Genomic context (GRCh38, chr17:8,313,120, plus strand): 5'-CTCGCTCCCGCCCCCACCCTCCAAGCATCGGTCACCCTGCCGTTGTCCTCACATCCTACC[G>A]CTCCACTGCTGAGCGCAAACTCCTGCCACTCCTCAAGCCTCCCAAACCAACTCGTGTCAG-3'
Protein context (NP_776089.2, residues 257-277): GHPAVVLTSY[Arg267His]STAERKLLPL

ClinVar aggregate classification (germline): Uncertain significance (1 of 4 stars; one submission).

Conditions:
Early-infantile DEE. Also called: Ohtahara syndrome; Early infantile epileptic encephalopathy; Early infantile epileptic encephalopathy with suppression bursts. Identifiers: Orphanet 1934, MedGen C0393706, MONDO:0800491.

Allele frequency attached by ClinVar (database versions not stated): gnomAD 0.00001.
gnomAD v4.1: 5 of 1,576,160 alleles (0.00032%); highest among the groups gnomAD compares: South Asian, 0.0011%; no homozygotes.

Submission:

Labcorp Genetics (formerly Invitae), Labcorp
Classification: Uncertain significance for Early-infantile DEE. Last evaluated: 2022-08-09. Review status: criteria provided, single submitter. Criteria: Invitae Variant Classification Sherloc (09022015). Collection method: clinical testing. Allele origin: germline.
Comment: Algorithms developed to predict the effect of missense changes on protein structure and function (SIFT, PolyPhen-2, Align-GVGD) all suggest that this variant is likely to be disruptive. This variant has not been reported in the literature in individuals affected with ARHGEF15-related conditions. This variant is present in population databases (no rsID available, gnomAD 0.0009%). This sequence change replaces arginine, which is basic and polar, with histidine, which is basic and polar, at codon 267 of the ARHGEF15 protein (p.Arg267His). In summary, the available evidence is currently insufficient to determine the role of this variant in disease. Therefore, it has been classified as a Variant of Uncertain Significance.